The following is an entry in ClinVar:

NM_012123.4(MTO1):c.1750dup (p.Ile584fs)

Gene: MTO1 (mitochondrial tRNA translation optimization 1; plus strand). Cytogenetic location: 6q13.
Variant type: Duplication.
Coding change: c.1750dup on transcript NM_012123.4 (MANE Select); coding-DNA position 1750, one base duplicated (A; older notation c.1750dupA).
Protein change: p.Ile584fs; shifts the reading frame from isoleucine 584.
Molecular consequence: frameshift variant.
Genome position (GRCh38, 1-based): chr6:73,492,346, A duplicated; the last of 4 consecutive A bases (chr6:73,492,343-73,492,346); duplicating any one gives the same sequence. VCF-style (leftmost placement, unchanged base first): chr6-73492342-G-GA. GRCh37 (hg19) VCF-style: chr6-74202065-G-GA.
Other names: c.1870dup, p.Ile624fs (NM_001123226.2); c.1825dup, p.Ile609fs (NM_133645.3); c.1750dupA (NM_012123.4); short protein forms I624fs, I584fs, I609fs.
Identifiers: ClinVar variation 1384098 (VCV001384098.7), dbSNP rs2150042308, ClinGen allele CA2573141276.
Genomic context (GRCh38, chr6:73,492,342, plus strand): 5'-CAAGGCTGTTCCAGAGCCCTTGAAGAAGTATACTAAATGTAGAGAGCTGGCTGAAAGACT[G>GA]AAAATAGAAGGTAGAAAATAATTTTTGACTTAACATACCTTTATCATATGTGCAAATTAT-3'

ClinVar aggregate classification (germline): Pathogenic. Review status: criteria provided, multiple submitters, no conflicts (2 of 4 stars). 2 submissions from 2 submitters: Pathogenic (2). Last evaluated 2025-06-04.

Conditions:
Mitochondrial hypertrophic cardiomyopathy with lactic acidosis due to MTO1 deficiency. Also called: Combined oxidative phosphorylation deficiency 10; CARDIOMYOPATHY, INFANTILE HYPERTROPHIC MITOCHONDRIAL, AND LACTIC ACIDOSIS. Identifiers: Orphanet 314637, MedGen C4749921, MONDO:0013865, OMIM 614702.

Submissions (2):

Women's Health and Genetics/Laboratory Corporation of America, LabCorp
Classification: Pathogenic for Mitochondrial hypertrophic cardiomyopathy with lactic acidosis due to MTO1 deficiency. Last evaluated: 2025-06-04. Review status: criteria provided, single submitter. Criteria: LabCorp Variant Classification Summary - May 2015. Collection method: clinical testing. Allele origin: germline.
Comment: Variant summary: MTO1 c.1750dupA (p.Ile584AsnfsX6) results in a premature termination codon, predicted to cause a truncation of the encoded protein or absence of the protein due to nonsense mediated decay, which are commonly known mechanisms for disease. The variant was absent in 250760 control chromosomes. To our knowledge, no occurrence of c.1750dupA in individuals affected with Combined Oxidative Phosphorylation Deficiency 10 and no experimental evidence demonstrating its impact on protein function have been reported. ClinVar contains an entry for this variant (Variation ID: 1384098). Based on the evidence outlined above, the variant was classified as pathogenic.

Labcorp Genetics (formerly Invitae), Labcorp
Classification: Pathogenic for Mitochondrial hypertrophic cardiomyopathy with lactic acidosis due to MTO1 deficiency. Last evaluated: 2024-05-18. Review status: criteria provided, single submitter. Criteria: Invitae Variant Classification Sherloc (09022015). Collection method: clinical testing. Allele origin: germline.
Comment: This sequence change creates a premature translational stop signal (p.Ile584Asnfs*6) in the MTO1 gene. It is expected to result in an absent or disrupted protein product. Loss-of-function variants in MTO1 are known to be pathogenic (PMID: 22608499, 25058219). This variant is not present in population databases (gnomAD no frequency). This variant has not been reported in the literature in individuals affected with MTO1-related conditions. ClinVar contains an entry for this variant (Variation ID: 1384098). For these reasons, this variant has been classified as Pathogenic.

Literature cited by the submitters: PubMed 22608499 (cited by Labcorp Genetics (formerly Invitae), Labcorp); PubMed 25058219 (cited by Labcorp Genetics (formerly Invitae), Labcorp).